The following is an entry in ClinVar:

ClinVar aggregate classification (germline): Uncertain significance. Review status: criteria provided, multiple submitters, no conflicts (2 of 4 stars). 2 submissions from 2 submitters: Uncertain significance (2). Last evaluated 2022-12-19.

Conditions:
Kabuki syndrome. Also called: NIIKAWA-KUROKI SYNDROME; Kabuki make-up syndrome. Identifiers: Orphanet 2322, MedGen C0796004, MONDO:0016512.

gnomAD v4.1: 2 of 1,613,588 alleles (0.00012%); highest among the groups gnomAD compares: Non-Finnish European, 0.00017%; no homozygotes.

Submissions (2):

Labcorp Genetics (formerly Invitae), Labcorp
Classification: Uncertain significance for Kabuki syndrome. Last evaluated: 2022-12-19. Review status: criteria provided, single submitter. Criteria: Invitae Variant Classification Sherloc (09022015). Collection method: clinical testing. Allele origin: germline.
Comment: This variant is not present in population databases (gnomAD no frequency). Advanced modeling of protein sequence and biophysical properties (such as structural, functional, and spatial information, amino acid conservation, physicochemical variation, residue mobility, and thermodynamic stability) performed at Invitae indicates that this missense variant is not expected to disrupt KMT2D protein function. This variant has not been reported in the literature in individuals affected with KMT2D-related conditions. In summary, the available evidence is currently insufficient to determine the role of this variant in disease. Therefore, it has been classified as a Variant of Uncertain Significance. This sequence change replaces glycine, which is neutral and non-polar, with aspartic acid, which is acidic and polar, at codon 3698 of the KMT2D protein (p.Gly3698Asp).

CeGaT Center for Human Genetics Tuebingen
Classification: Uncertain significance. Last evaluated: 2022-11-01. Review status: criteria provided, single submitter. Criteria: CeGaT Center For Human Genetics Tuebingen Variant Classification Criteria Version 2. Collection method: clinical testing. Allele origin: germline. Affected: yes. Observed: 1 variant allele.
Comment: KMT2D: PM2, BP1

NM_003482.4(KMT2D):c.11093G>A (p.Gly3698Asp)

Gene: KMT2D (lysine methyltransferase 2D; minus strand). Cytogenetic location: 12q13.12.
Variant type: single nucleotide variant.
Coding change: c.11093G>A on transcript NM_003482.4 (MANE Select); coding-DNA position 11093, G replaced by A.
Protein change: p.Gly3698Asp; replaces glycine 3698 with aspartic acid.
Molecular consequence: missense variant.
Genome position (GRCh38, 1-based): chr12:49,033,612, C>T on the plus strand (G>A on the coding strand, the complement: KMT2D is on the minus strand). VCF-style: chr12-49033612-C-T. GRCh37 (hg19) VCF-style: chr12-49427395-C-T.
Other names: short protein forms G3698D.
Identifiers: ClinVar variation 2642942 (VCV002642942.27), dbSNP rs931451601, ClinGen allele CA236641017.